The following is an entry in ClinVar:

NM_182961.4(SYNE1):c.15850G>A (p.Ala5284Thr)

Gene: SYNE1 (spectrin repeat containing nuclear envelope protein 1; minus strand). Cytogenetic location: 6q25.2.
Variant type: single nucleotide variant.
Coding change: c.15850G>A on transcript NM_182961.4 (MANE Select); coding-DNA position 15850, G replaced by A.
Protein change: p.Ala5284Thr; replaces alanine 5284 with threonine.
Molecular consequence: missense variant.
Genome position (GRCh38, 1-based): chr6:152,323,545, C>T on the plus strand (G>A on the coding strand, the complement: SYNE1 is on the minus strand). VCF-style: chr6-152323545-C-T. GRCh37 (hg19) VCF-style: chr6-152644680-C-T.
Other names: c.15637G>A, p.Ala5213Thr (NM_033071.5); short protein forms A5213T, A5284T.
Identifiers: ClinVar variation 2153600 (VCV002153600.4), dbSNP rs148292669, ClinGen allele CA4055686.
Genomic context (GRCh38, chr6:152,323,545, plus strand): 5'-ACCGATCTTGCATGGCGGTGATTTCCTGCATGAGCGGAGGCTCTTCCCCAGGGGTTGGGG[C>T]GGCTCCATCCTGGAGCATGCTCAGGGTTTGCTGCCGCAGCATGCCCAAGGCCGACTGCTG-3'
Protein context (NP_892006.3, residues 5274-5294): QTLSMLQDGA[Ala5284Thr]PTPGEEPPLM

ClinVar aggregate classification (germline): Uncertain significance (1 of 4 stars; one submission).

Conditions:
Autosomal recessive ataxia, Beauce type. Also called: SYNE1-Related Autosomal Recessive Cerebellar Ataxia; Spinocerebellar ataxia, autosomal recessive 8; ATAXIA, RECESSIVE, OF BEAUCE; SYNE1 Deficiency. Identifiers: Orphanet 88644, MedGen C1853116, MONDO:0012549, OMIM 610743.
Emery-Dreifuss muscular dystrophy 4, autosomal dominant (EDMD4). Also called: EMERY-DREIFUSS MUSCULAR DYSTROPHY 4 WITH VARIABLE FEATURES. Identifiers: Orphanet 261, MedGen C2751807, MONDO:0013071, OMIM 612998.

Allele frequency attached by ClinVar (database versions not stated): TOPMed 0.00002; ESP Exome Variant Server 0.00008.
gnomAD v4.1: 23 of 1,614,198 alleles (0.0014%); highest among the groups gnomAD compares: South Asian, 0.02%; no homozygotes.

Submission:

Labcorp Genetics (formerly Invitae), Labcorp
Classification: Uncertain significance for Emery-Dreifuss muscular dystrophy 4, autosomal dominant; Autosomal recessive ataxia, Beauce type. Last evaluated: 2022-03-30. Review status: criteria provided, single submitter. Criteria: Invitae Variant Classification Sherloc (09022015). Collection method: clinical testing. Allele origin: germline.
Comment: In summary, the available evidence is currently insufficient to determine the role of this variant in disease. Therefore, it has been classified as a Variant of Uncertain Significance. Algorithms developed to predict the effect of missense changes on protein structure and function output the following: SIFT: "Tolerated"; PolyPhen-2: "Benign"; Align-GVGD: "Class C0". The threonine amino acid residue is found in multiple mammalian species, which suggests that this missense change does not adversely affect protein function. This variant has not been reported in the literature in individuals affected with SYNE1-related conditions. This variant is present in population databases (rs148292669, gnomAD 0.01%). This sequence change replaces alanine, which is neutral and non-polar, with threonine, which is neutral and polar, at codon 5213 of the SYNE1 protein (p.Ala5213Thr).